The following is an entry in ClinVar:

ClinVar aggregate classification (germline): Uncertain significance (1 of 4 stars; one submission).

Conditions:
MHC class I deficiency. Identifiers: Orphanet 34592, MedGen C6024714, MONDO:0011476.

Allele frequency attached by ClinVar (database versions not stated): gnomAD exomes below 0.00001; TOPMed below 0.00001.
gnomAD v4.1: 6 of 1,614,092 alleles (0.00037%); highest among the groups gnomAD compares: Admixed American, 0.0017%; no homozygotes.

Submission:

Labcorp Genetics (formerly Invitae), Labcorp
Classification: Uncertain significance for MHC class I deficiency 1. Last evaluated: 2020-10-19. Review status: criteria provided, single submitter. Criteria: Invitae Variant Classification Sherloc (09022015). Collection method: clinical testing. Allele origin: germline.
Comment: This sequence change replaces arginine with histidine at codon 175 of the TAP2 protein (p.Arg175His). The arginine residue is moderately conserved and there is a small physicochemical difference between arginine and histidine. This variant is not present in population databases (ExAC no frequency). This variant has not been reported in the literature in individuals with TAP2-related conditions. Algorithms developed to predict the effect of missense changes on protein structure and function output the following: SIFT: "Deleterious"; PolyPhen-2: "Not Available"; Align-GVGD: "Class C0". The histidine amino acid residue is found in multiple mammalian species, suggesting that this missense change does not adversely affect protein function. These predictions have not been confirmed by published functional studies and their clinical significance is uncertain. In summary, the available evidence is currently insufficient to determine the role of this variant in disease. Therefore, it has been classified as a Variant of Uncertain Significance.

NM_001290043.2(TAP2):c.524G>A (p.Arg175His)

Genes: TAP2 (transporter 2, ATP binding cassette subfamily B member; minus strand), LOC107648851 (meiotic recombination hotspot TAP2; plus strand). Cytogenetic location: 6p21.32.
Variant type: single nucleotide variant.
Coding change: c.524G>A on transcript NM_001290043.2 (MANE Select); coding-DNA position 524, G replaced by A.
Protein change: p.Arg175His; replaces arginine 175 with histidine.
Molecular consequence: missense variant.
Genome position (GRCh38, 1-based): chr6:32,837,621, C>T on the plus strand (G>A on the coding strand, the complement: TAP2 is on the minus strand). VCF-style: chr6-32837621-C-T. GRCh37 (hg19) VCF-style: chr6-32805398-C-T.
Other names: c.524G>A, p.Arg175His (NM_000544.3, NM_018833.3); short protein forms R175H.
Identifiers: ClinVar variation 1004055 (VCV001004055.9), dbSNP rs1769502410, ClinGen allele CA363586149.